The following is an entry in ClinVar:

NM_001349884.2(DRAM2):c.483G>T (p.Leu161Phe)

Gene: DRAM2 (DNA damage regulated autophagy modulator 2; minus strand). Cytogenetic location: 1p13.3.
Variant type: single nucleotide variant.
Coding change: c.483G>T on transcript NM_001349884.2 (MANE Select); coding-DNA position 483, G replaced by T.
Protein change: p.Leu161Phe; replaces leucine 161 with phenylalanine.
Molecular consequence: missense variant. On other transcripts: non-coding transcript variant (8).
Genome position (GRCh38, 1-based): chr1:111,120,550, C>A on the plus strand (G>T on the coding strand, the complement: DRAM2 is on the minus strand). VCF-style: chr1-111120550-C-A. GRCh37 (hg19) VCF-style: chr1-111663172-C-A.
Other names: c.483G>T, p.Leu161Phe (NM_001349881.2, NM_001349882.2, NM_001349885.2 and 1 more transcripts); c.213G>T, p.Leu71Phe (NM_001349886.2, NM_001349887.2, NM_001349888.2); c.93G>T, p.Leu31Phe (NM_001349889.2, NM_001349890.2, NM_001349891.2 and 2 more transcripts); short protein forms L71F, L161F, L31F.
Identifiers: ClinVar variation 842447 (VCV000842447.9), dbSNP rs372592409, ClinGen allele CA1001827.

ClinVar aggregate classification (germline): Conflicting classifications of pathogenicity. Review status: criteria provided, conflicting classifications (1 of 4 stars). 3 submissions from 3 submitters: Uncertain significance (2); Likely benign (1). Last evaluated 2024-08-27.

Conditions:
Inborn genetic diseases. Identifiers: MedGen C0950123, MeSH D030342.

Allele frequency attached by ClinVar (database versions not stated): ExAC 0.00001; gnomAD exomes 0.00001 and 0.00002; ESP Exome Variant Server 0.00015; TOPMed 0.00016; gnomAD 0.00018 and 0.00021.
gnomAD v4.1: 48 of 1,611,218 alleles (0.003%); highest among the groups gnomAD compares: African/African-American, 0.053%; no homozygotes.

Submissions (3):

Ambry Genetics
Classification: Uncertain significance for Inborn genetic diseases. Last evaluated: 2024-08-27. Review status: criteria provided, single submitter. Criteria: Ambry Variant Classification Scheme 2023. Collection method: clinical testing. Allele origin: germline.

Blueprint Genetics
Classification: Likely benign. Last evaluated: 2024-04-22. Review status: criteria provided, single submitter. Criteria: ACMG Guidelines, 2015. Collection method: clinical testing. Allele origin: germline.

Labcorp Genetics (formerly Invitae), Labcorp
Classification: Uncertain significance. Last evaluated: 2022-10-24. Review status: criteria provided, single submitter. Criteria: Invitae Variant Classification Sherloc (09022015). Collection method: clinical testing. Allele origin: germline.
Comment: This sequence change replaces leucine, which is neutral and non-polar, with phenylalanine, which is neutral and non-polar, at codon 161 of the DRAM2 protein (p.Leu161Phe). This variant is present in population databases (rs372592409, gnomAD 0.03%). This variant has not been reported in the literature in individuals affected with DRAM2-related conditions. ClinVar contains an entry for this variant (Variation ID: 842447). Advanced modeling of protein sequence and biophysical properties (such as structural, functional, and spatial information, amino acid conservation, physicochemical variation, residue mobility, and thermodynamic stability) performed at Invitae indicates that this missense variant is not expected to disrupt DRAM2 protein function. In summary, the available evidence is currently insufficient to determine the role of this variant in disease. Therefore, it has been classified as a Variant of Uncertain Significance.